The following is an entry in ClinVar:

NM_001163809.2(WDR81):c.3823C>A (p.Leu1275Met)

Gene: WDR81 (WD repeat domain 81; plus strand). Cytogenetic location: 17p13.3.
Variant type: single nucleotide variant.
Coding change: c.3823C>A on transcript NM_001163809.2 (MANE Select); coding-DNA position 3823, C replaced by A.
Protein change: p.Leu1275Met; replaces leucine 1275 with methionine.
Molecular consequence: missense variant.
Genome position (GRCh38, 1-based): chr17:1,730,802, C>A. VCF-style: chr17-1730802-C-A. GRCh37 (hg19) VCF-style: chr17-1634096-C-A.
Other names: c.214C>A, p.Leu72Met (NM_001163673.2); c.142C>A, p.Leu48Met (NM_001163811.2); c.670C>A, p.Leu224Met (NM_152348.4); short protein forms L1275M, L224M, L48M, L72M.
Identifiers: ClinVar variation 1195085 (VCV001195085.12), dbSNP rs149766340, ClinGen allele CA8273366.
Genomic context (GRCh38, chr17:1,730,802, plus strand): 5'-CCTTCCGTGGCAGGACCCACTCGGCAGCAGTTCACAGTGAGCAGTGGCGAGAGCCCACCG[C>A]TGAGCGCCGGCAACATCTACCAGAAGAGGCCGGTCCTGGGCGACATCGTGTCAGGGCCTG-3'
Protein context (NP_001157281.1, residues 1265-1285): FTVSSGESPP[Leu1275Met]SAGNIYQKRP

ClinVar aggregate classification (germline): Conflicting classifications of pathogenicity. Review status: criteria provided, conflicting classifications (1 of 4 stars). 3 submissions from 3 submitters: Uncertain significance (2); Likely benign (1). Last evaluated 2025-07-01.

Conditions:
Inborn genetic diseases. Identifiers: MedGen C0950123, MeSH D030342.

Allele frequency attached by ClinVar (database versions not stated): gnomAD exomes 0.00005 and 0.00017; ExAC 0.00019; ESP Exome Variant Server 0.00046; 1000 Genomes Project 30x 0.00062; 1000 Genomes Project 0.00080; TOPMed 0.00087.

Submissions (3):

CeGaT Center for Human Genetics Tuebingen
Classification: Uncertain significance. Last evaluated: 2025-07-01. Review status: criteria provided, single submitter. Criteria: CeGaT Center For Human Genetics Tuebingen Variant Classification Criteria Version 2. Collection method: clinical testing. Allele origin: germline. Affected: yes. Observed: 1 variant allele.
Comment: WDR81: PM2, BP4

Ambry Genetics
Classification: Likely benign for Inborn genetic diseases. Last evaluated: 2023-03-02. Review status: criteria provided, single submitter. Criteria: Ambry Variant Classification Scheme 2023. Collection method: clinical testing. Allele origin: germline.

GeneDx
Classification: Uncertain significance. Last evaluated: 2019-05-17. Review status: criteria provided, single submitter. Criteria: GeneDx Variant Classification Process June 2021. Collection method: clinical testing. Allele origin: germline. Affected: yes.
Comment: In silico analysis, which includes protein predictors and evolutionary conservation, supports that this variant does not alter protein structure/function; Has not been previously published as pathogenic or benign to our knowledge